The following is an entry in ClinVar:

ClinVar aggregate classification (germline): Uncertain significance (1 of 4 stars; one submission).

Conditions:
Ullrich congenital muscular dystrophy 2 (UCMD2). Identifiers: Orphanet 75840, MedGen C4225314, MONDO:0014654, OMIM 616470.
Bethlem myopathy 2 (BTHLM2). Identifiers: Orphanet 536516, Orphanet 610, MedGen C4225313, MONDO:0034022, OMIM 616471.

Submission:

Labcorp Genetics (formerly Invitae), Labcorp
Classification: Uncertain significance for Bethlem myopathy 2; Ullrich congenital muscular dystrophy 2. Last evaluated: 2024-09-29. Review status: criteria provided, single submitter. Criteria: Invitae Variant Classification Sherloc (09022015). Collection method: clinical testing. Allele origin: germline.
Comment: This variant, c.1771_1773del, results in the deletion of 1 amino acid(s) of the COL12A1 protein (p.Pro591del), but otherwise preserves the integrity of the reading frame. This variant is not present in population databases (gnomAD no frequency). This variant has not been reported in the literature in individuals affected with COL12A1-related conditions. Experimental studies and prediction algorithms are not available or were not evaluated, and the functional significance of this variant is currently unknown. In summary, the available evidence is currently insufficient to determine the role of this variant in disease. Therefore, it has been classified as a Variant of Uncertain Significance.

NM_004370.6(COL12A1):c.1768CCT[1] (p.Pro591del)

Gene: COL12A1 (collagen type XII alpha 1 chain; minus strand). Cytogenetic location: 6q13.
Variant type: Microsatellite.
Coding change: c.1768CCT[1] on transcript NM_004370.6 (MANE Select); one copy of the 3-base unit CCT starting at c.1768; the reference has two copies in a row; one copy, 3 bases deleted.
Protein change: p.Pro591del; deletes proline 591.
Molecular consequence: inframe deletion. On other transcripts: intron variant (2).
Genome position (GRCh38, 1-based): chr6:75,183,168-75,183,170, AGG deleted on the plus strand (CCT on the coding strand, the reverse complement: COL12A1 is on the minus strand); deleting any 3 consecutive bases within chr6:75,183,168-75,183,175 gives the same sequence; the position shown is the placement nearest the transcript's 3' end. VCF-style (leftmost placement, unchanged base first): chr6-75183167-CAGG-C. GRCh37 (hg19) VCF-style: chr6-75892883-CAGG-C.
Other names: c.1768CCT[1], p.Pro591del (NM_001424113.1, NM_001424114.1, NM_001424115.1); c.73+19550_73+19552del (NM_001424116.1, NM_080645.3); short protein forms P591del.
Identifiers: ClinVar variation 3762172 (VCV003762172.2).
Genomic context (GRCh38, chr6:75,183,167, plus strand): 5'-GTTCAAAAGATATCCTCTGAAAAGCATCAAAATCTTCCACTGTGAACACATGGGTCTCTG[CAGG>C]AGGAGAGGCAATAGCTTCCAATTCTGAGCGAACGGCATCCTTCACACCAACTGCAAAGAT-3'